The following is an entry in ClinVar:

NM_003331.5(TYK2):c.1705G>A (p.Ala569Thr)

Gene: TYK2 (tyrosine kinase 2; minus strand). Cytogenetic location: 19p13.2.
Variant type: single nucleotide variant.
Coding change: c.1705G>A on transcript NM_003331.5 (MANE Select); coding-DNA position 1705, G replaced by A.
Protein change: p.Ala569Thr; replaces alanine 569 with threonine.
Molecular consequence: missense variant.
Genome position (GRCh38, 1-based): chr19:10,362,146, C>T on the plus strand (G>A on the coding strand, the complement: TYK2 is on the minus strand). VCF-style: chr19-10362146-C-T. GRCh37 (hg19) VCF-style: chr19-10472822-C-T.
Other names: c.1705G>A (LRG_121t1); short protein forms A569T.
Identifiers: ClinVar variation 658885 (VCV000658885.6), dbSNP rs760031894, ClinGen allele CA9193324.

ClinVar aggregate classification (germline): Uncertain significance (1 of 4 stars; one submission).

Conditions:
Immunodeficiency 35 (IMD35). Also called: HIES WITH ATYPICAL MYCOBACTERIOSIS, AUTOSOMAL RECESSIVE; HYPER-IgE SYNDROME WITH ATYPICAL MYCOBACTERIOSIS, AUTOSOMAL RECESSIVE; TYK2 DEFICIENCY; Susceptibility to infection due to TYK2 deficiency. Identifiers: Orphanet 331226, MedGen C1969086, MONDO:0012682, OMIM 611521.

Allele frequency attached by ClinVar (database versions not stated): gnomAD exomes below 0.00001 and 0.00003; ExAC 0.00001; TOPMed 0.00002; gnomAD 0.00003.
gnomAD v4.1: 47 of 1,613,904 alleles (0.0029%); highest among the groups gnomAD compares: Non-Finnish European, 0.0038%; no homozygotes.

Submission:

Labcorp Genetics (formerly Invitae), Labcorp
Classification: Uncertain significance for Immunodeficiency 35. Last evaluated: 2022-05-04. Review status: criteria provided, single submitter. Criteria: Invitae Variant Classification Sherloc (09022015). Collection method: clinical testing. Allele origin: germline.
Comment: This sequence change replaces alanine, which is neutral and non-polar, with threonine, which is neutral and polar, at codon 569 of the TYK2 protein (p.Ala569Thr). The frequency data for this variant in the population databases is considered unreliable, as metrics indicate poor data quality at this position in the gnomAD database. This variant has not been reported in the literature in individuals affected with TYK2-related conditions. ClinVar contains an entry for this variant (Variation ID: 658885). Algorithms developed to predict the effect of missense changes on protein structure and function output the following: SIFT: "Not Available"; PolyPhen-2: "Benign"; Align-GVGD: "Not Available". The threonine amino acid residue is found in multiple mammalian species, which suggests that this missense change does not adversely affect protein function. In summary, the available evidence is currently insufficient to determine the role of this variant in disease. Therefore, it has been classified as a Variant of Uncertain Significance.